The following is an entry in ClinVar:

NM_000520.6(HEXA):c.986G>A (p.Trp329Ter)

Gene: HEXA (hexosaminidase subunit alpha; minus strand). Cytogenetic location: 15q23.
Variant type: single nucleotide variant.
Coding change: c.986G>A on transcript NM_000520.6 (MANE Select); coding-DNA position 986, G replaced by A.
Protein change: p.Trp329Ter; replaces tryptophan 329 with a stop codon.
Molecular consequence: nonsense. On other transcripts: non-coding transcript variant (1).
Genome position (GRCh38, 1-based): chr15:72,349,079, C>T on the plus strand (G>A on the coding strand, the complement: HEXA is on the minus strand). VCF-style: chr15-72349079-C-T. GRCh37 (hg19) VCF-style: chr15-72641420-C-T.
Other names: c.1019G>A, p.Trp340Ter (NM_001318825.2); c.986G>A (NM_000520.5); short protein forms W340*, W329*.
Identifiers: ClinVar variation 2736239 (VCV002736239.5), dbSNP rs2542522531, ClinGen allele CA393062107.

ClinVar aggregate classification (germline): Pathogenic. Review status: criteria provided, multiple submitters, no conflicts (2 of 4 stars). 3 submissions from 3 submitters: Pathogenic (3). Last evaluated 2026-03-18.

Conditions:
Tay-Sachs disease (TSD). Also called: HEXA Disorders; HEXA DEFICIENCY; GM2 gangliosidosis, type 1; Hexosaminidase alpha-subunit deficiency (variant B); Sphingolipidosis, Tay-Sachs; Hexosaminidase A Deficiency. Identifiers: Orphanet 845, MedGen C0039373, MONDO:0010100, OMIM 272800.

Submissions (3):

Women's Health and Genetics/Laboratory Corporation of America, LabCorp
Classification: Pathogenic for Tay-Sachs disease. Last evaluated: 2026-03-18. Review status: criteria provided, single submitter. Criteria: LabCorp Variant Classification Summary - May 2015. Collection method: clinical testing. Allele origin: germline.
Comment: Variant summary: HEXA c.986G>A (p.Trp329X) results in a premature termination codon, predicted to cause a truncation of the encoded protein or absence of the protein due to nonsense mediated decay, which are commonly known mechanisms for disease. Loss of function variants in this gene are known to be pathogenic. Several computational tools predict a significant impact on normal splicing: Three predict the variant abolishes a 5' splicing donor site. One predict the variant weakens a 5' donor site. However, these predictions have yet to be confirmed by functional studies. The variant was absent in 251296 control chromosomes. c.986G>A has been observed in an individual affected with Tay-Sachs Disease (Mules_1992). To our knowledge, no experimental evidence demonstrating an impact on protein function has been reported. The following publication have been ascertained in the context of this evaluation (PMID: 1532289). ClinVar contains an entry for this variant (Variation ID: 2736239). Based on the evidence outlined above, the variant was classified as pathogenic.

Natera, Inc.
Classification: Pathogenic for Tay-Sachs disease. Last evaluated: 2024-05-16. Review status: criteria provided, single submitter. Criteria: Natera Variant Classification Schema (03/2026). Collection method: clinical testing. Allele origin: germline.
Comment: The c.986G>A variant in HEXA is a nonsense variant predicted to introduce a stop codon at amino acid 329. This variant is expected to result in nonsense mediated decay, truncation, or a dysfunctional protein product. This variant is rare in the general population with a frequency below the threshold expected for the associated phenotype(s). This variant has been observed in one or more individuals affected with the associated recessive disease, as either homozygous or compound heterozygous with a second variant (PMID: 1532289). Given the available evidence, this variant is classified as Pathogenic.

Labcorp Genetics (formerly Invitae), Labcorp
Classification: Pathogenic for Tay-Sachs disease. Last evaluated: 2023-08-25. Review status: criteria provided, single submitter. Criteria: Invitae Variant Classification Sherloc (09022015). Collection method: clinical testing. Allele origin: germline.
Comment: This variant is not present in population databases (gnomAD no frequency). Algorithms developed to predict the effect of sequence changes on RNA splicing suggest that this variant may disrupt the consensus splice site. This premature translational stop signal has been observed in individual(s) with Tay-Sachs disease (PMID: 1532289). This sequence change creates a premature translational stop signal (p.Trp329*) in the HEXA gene. It is expected to result in an absent or disrupted protein product. Loss-of-function variants in HEXA are known to be pathogenic (PMID: 1833974, 8490625). For these reasons, this variant has been classified as Pathogenic.

Literature cited by the submitters: PubMed 1532289 (cited by 3 submitters); PubMed 1833974 (cited by Labcorp Genetics (formerly Invitae), Labcorp); PubMed 8490625 (cited by Labcorp Genetics (formerly Invitae), Labcorp).